The following is an entry in ClinVar:

ClinVar aggregate classification (germline): Uncertain significance (1 of 4 stars; one submission).

Conditions:
Hereditary cancer-predisposing syndrome. Also called: Neoplastic Syndromes, Hereditary; Tumor predisposition; Hereditary neoplastic syndrome; Hereditary Cancer Syndrome. Identifiers: Orphanet 140162, MedGen C0027672, MeSH D009386, MONDO:0015356.

Submission:

Ambry Genetics
Classification: Uncertain significance for Hereditary cancer-predisposing syndrome. Last evaluated: 2026-06-23. Review status: criteria provided, single submitter. Criteria: Ambry Variant Classification Scheme 2023. Collection method: clinical testing. Allele origin: germline.
Comment: The p.A1426V variant (also known as c.4277C>T), located in coding exon 28 of the ATM gene, results from a C to T substitution at nucleotide position 4277. The alanine at codon 1426 is replaced by valine, an amino acid with similar properties. In an assay testing ATM function, this variant showed a functionally normal result (Lee KS et al. Cell, 2025 Sep;188:5081-5099.e27). This amino acid position is well conserved in available vertebrate species. In addition, the in silico prediction for this alteration is inconclusive. Based on the available evidence, the clinical significance of this variant remains unclear.

Literature cited by the submitters: PubMed 40580951.

NM_000051.4(ATM):c.4277C>T (p.Ala1426Val)

Gene: ATM (ATM serine/threonine kinase; plus strand). Cytogenetic location: 11q22.3.
Variant type: single nucleotide variant.
Coding change: c.4277C>T on transcript NM_000051.4 (MANE Select); coding-DNA position 4277, C replaced by T.
Protein change: p.Ala1426Val; replaces alanine 1426 with valine.
Molecular consequence: missense variant.
Genome position (GRCh38, 1-based): chr11:108,289,642, C>T. VCF-style: chr11-108289642-C-T. GRCh37 (hg19) VCF-style: chr11-108160369-C-T.
Other names: c.4277C>T, p.Ala1426Val (NM_001351834.2); short protein forms A1426V.
Identifiers: ClinVar variation 5031133 (VCV005031133.1).